The following is an entry in ClinVar:

NM_020366.4(RPGRIP1):c.3257A>C (p.Gln1086Pro)

Gene: RPGRIP1 (RPGR interacting protein 1; plus strand). Cytogenetic location: 14q11.2.
Variant type: single nucleotide variant.
Coding change: c.3257A>C on transcript NM_020366.4 (MANE Select); coding-DNA position 3257, A replaced by C.
Protein change: p.Gln1086Pro; replaces glutamine 1086 with proline.
Molecular consequence: missense variant.
Genome position (GRCh38, 1-based): chr14:21,334,623, A>C. VCF-style: chr14-21334623-A-C. GRCh37 (hg19) VCF-style: chr14-21802782-A-C.
Other names: c.1235A>C, p.Gln412Pro (NM_001377523.1, NM_001377950.1); c.2183A>C, p.Gln728Pro (NM_001377948.1); c.1343A>C, p.Gln448Pro (NM_001377949.1); c.740A>C, p.Gln247Pro (NM_001377951.1); short protein forms Q247P, Q1086P, Q412P, Q448P, Q728P.
Identifiers: ClinVar variation 1486271 (VCV001486271.8), dbSNP rs1210425656, ClinGen allele CA388873070.
Genomic context (GRCh38, chr14:21,334,623, plus strand): 5'-TGCTTTGAAACAGTTCTATAACTGCAACCTCTTCTCTAGCAGACAAAGAATCCTCTGAAC[A>C]AGGTTCTGAAGTCAGTGAAGCACAAACTACCGACAGTGATGATGTCATAGTGCCACCCAT-3'
Protein context (NP_065099.3, residues 1076-1096): HPVNDKESSE[Gln1086Pro]GSEVSEAQTT

ClinVar aggregate classification (germline): Uncertain significance (1 of 4 stars; one submission).

Conditions:
Cone-rod dystrophy 13 (CORD13). Identifiers: Orphanet 1872, MedGen C2750720, MONDO:0011987, OMIM 608194.
Leber congenital amaurosis 6 (LCA6). Identifiers: Orphanet 65, MedGen C1854260, MONDO:0013446, OMIM 613826.

Submission:

Labcorp Genetics (formerly Invitae), Labcorp
Classification: Uncertain significance for Leber congenital amaurosis 6; Cone-rod dystrophy 13. Last evaluated: 2021-01-14. Review status: criteria provided, single submitter. Criteria: Invitae Variant Classification Sherloc (09022015). Collection method: clinical testing. Allele origin: germline.
Comment: This sequence change replaces glutamine with proline at codon 1086 of the RPGRIP1 protein (p.Gln1086Pro). The glutamine residue is moderately conserved and there is a moderate physicochemical difference between glutamine and proline. This variant is not present in population databases (ExAC no frequency). This variant has not been reported in the literature in individuals with RPGRIP1-related conditions. Algorithms developed to predict the effect of missense changes on protein structure and function (SIFT, PolyPhen-2, Align-GVGD) all suggest that this variant is likely to be tolerated, but these predictions have not been confirmed by published functional studies and their clinical significance is uncertain. In summary, the available evidence is currently insufficient to determine the role of this variant in disease. Therefore, it has been classified as a Variant of Uncertain Significance.